The following is an entry in ClinVar:

ClinVar aggregate classification (germline): Pathogenic. Review status: criteria provided, single submitter (1 of 4 stars). 2 submissions from 2 submitters: Pathogenic (1). 1 of the submissions does not count toward it. Last evaluated 2024-06-03.

Conditions:
Proteinuria, chronic benign. Identifiers: MedGen C5394384, MONDO:0030042, OMIM 618884.
Imerslund-Grasbeck syndrome type 1 (IGS1). Also called: MEGALOBLASTIC ANEMIA, 1; Imerslund-Gräsbeck syndrome 1; Megaloblastic anemia 1, Finnish type. Identifiers: MedGen C4016819, MONDO:0100156, OMIM 261100.
Imerslund-Grasbeck syndrome. Also called: ENTEROCYTE COBALAMIN MALABSORPTION; ENTEROCYTE INTRINSIC FACTOR RECEPTOR, DEFECT OF; PERNICIOUS ANEMIA, JUVENILE, DUE TO SELECTIVE INTESTINAL MALABSORPTION OF VITAMIN B12, WITH PROTEINURIA; Megaloblastic anemia due to inborn errors of metabolism; Imerslund-Gräsbeck syndrome. Identifiers: Orphanet 35858, MedGen C4551825, MONDO:0009853.

Submissions (2):

Fulgent Genetics
Classification: Pathogenic for Imerslund-Grasbeck syndrome type 1; Proteinuria, chronic benign. Last evaluated: 2024-06-03. Review status: criteria provided, single submitter. Criteria: ACMG Guidelines, 2015. Collection method: clinical testing. Allele origin: germline.

Juha Muilu Group; Institute for Molecular Medicine Finland (FIMM)
Classification: Likely pathogenic for Megaloblastic anemia due to inborn errors of metabolism. Review status: no assertion criteria provided. Collection method: not provided. Allele origin: unknown. Not counted in ClinVar's aggregate classification.
Comment: FinDis database variant: This variant was not found or characterized by our laboratory, data were collected from public sources: see reference
ClinVar note: Converted during submission from probable-pathogenic to Likely pathogenic.

NM_001081.4(CUBN):c.2515_2533del (p.Glu839fs)

Gene: CUBN (cubilin; minus strand). Cytogenetic location: 10p13.
Variant type: Deletion.
Coding change: c.2515_2533del on transcript NM_001081.4 (MANE Select); coding-DNA positions 2515 to 2533, 19 bases deleted (GAAAGAACCTGTAGGTGGA).
Protein change: p.Glu839fs; shifts the reading frame from glutamic acid 839.
Molecular consequence: frameshift variant.
Genome position (GRCh38, 1-based): chr10:17,071,518-17,071,536, TCCACCTACAGGTTCTTTC deleted on the plus strand (GAAAGAACCTGTAGGTGGA on the coding strand, the reverse complement: CUBN is on the minus strand); deleting any 19 consecutive bases within chr10:17,071,518-17,071,540 gives the same sequence; the c. name uses the placement nearest the transcript's 3' end. VCF-style (leftmost placement, unchanged base first): chr10-17071517-GTCCACCTACAGGTTCTTTC-G. GRCh37 (hg19) VCF-style: chr10-17113516-GTCCACCTACAGGTTCTTTC-G.
Other names: c.2515_2533delGAAAGAACCTGTAGGTGGA (NM_001081.3); short protein forms E839fs.
Identifiers: ClinVar variation 56328 (VCV000056328.3), dbSNP rs386833775, ClinGen allele CA144268.